The following is an entry in ClinVar:

ClinVar aggregate classification (germline): Uncertain significance (1 of 4 stars; one submission).

Conditions:
Cohen syndrome (COH1). Also called: PEPPER SYNDROME; Cutis verticis gyrata, retinitis pigmentosa, and sensorineural deafness. Identifiers: Orphanet 193, MedGen C0265223, MONDO:0008999, OMIM 216550.

gnomAD v4.1: 7 of 1,614,144 alleles (0.00043%); highest among the groups gnomAD compares: South Asian, 0.0033%; no homozygotes.

Submission:

Labcorp Genetics (formerly Invitae), Labcorp
Classification: Uncertain significance for Cohen syndrome. Last evaluated: 2022-06-27. Review status: criteria provided, single submitter. Criteria: Invitae Variant Classification Sherloc (09022015). Collection method: clinical testing. Allele origin: germline.
Comment: This sequence change replaces proline, which is neutral and non-polar, with leucine, which is neutral and non-polar, at codon 3986 of the VPS13B protein (p.Pro3986Leu). This variant is present in population databases (rs765761643, gnomAD 0.006%). This variant has not been reported in the literature in individuals affected with VPS13B-related conditions. ClinVar contains an entry for this variant (Variation ID: 1006360). Algorithms developed to predict the effect of missense changes on protein structure and function output the following: SIFT: "Not Available"; PolyPhen-2: "Benign"; Align-GVGD: "Not Available". The leucine amino acid residue is found in multiple mammalian species, which suggests that this missense change does not adversely affect protein function. In summary, the available evidence is currently insufficient to determine the role of this variant in disease. Therefore, it has been classified as a Variant of Uncertain Significance.

NM_152564.5(VPS13B):c.11882C>T (p.Pro3961Leu)

Gene: VPS13B (vacuolar protein sorting 13 homolog B; plus strand). Cytogenetic location: 8q22.2.
Variant type: single nucleotide variant.
Coding change: c.11882C>T on transcript NM_152564.5 (MANE Select); coding-DNA position 11882, C replaced by T.
Protein change: p.Pro3961Leu; replaces proline 3961 with leucine.
Molecular consequence: missense variant.
Genome position (GRCh38, 1-based): chr8:99,875,554, C>T. VCF-style: chr8-99875554-C-T. GRCh37 (hg19) VCF-style: chr8-100887782-C-T.
Other names: c.11957C>T, p.Pro3986Leu (NM_017890.5); short protein forms P3961L, P3986L.
Identifiers: ClinVar variation 1006360 (VCV001006360.2), dbSNP rs765761643, ClinGen allele CA4825363.